The following is an entry in ClinVar:

ClinVar aggregate classification (germline): Uncertain significance (1 of 4 stars; one submission).

Conditions:
Tuberous sclerosis 2 (TSC2). Identifiers: Orphanet 805, MedGen C1860707, MONDO:0013199, OMIM 613254.

Allele frequency attached by ClinVar (database versions not stated): gnomAD exomes below 0.00001.
gnomAD v4.1: 1 of 1,613,514 alleles (0.000062%); highest among the groups gnomAD compares: East Asian, 0.0022%; no homozygotes.

Submission:

MGZ Medical Genetics Center
Classification: Uncertain significance for Tuberous sclerosis 2. Last evaluated: 2022-06-17. Review status: criteria provided, single submitter. Criteria: ACMG Guidelines, 2015. Collection method: clinical testing. Allele origin: germline. Affected: yes. Observed: 1 variant allele.
Comment: ACMG criteria applied: PM2_SUP, PP3

NM_000548.5(TSC2):c.-29-7T>G

Gene: TSC2 (TSC complex subunit 2; plus strand). Cytogenetic location: 16p13.3.
Variant type: single nucleotide variant.
Coding change: c.-29-7T>G on transcript NM_000548.5 (MANE Select); 7 bases into the intron before 29 bases upstream of the start codon, T replaced by G.
Molecular consequence: intron variant.
Genome position (GRCh38, 1-based): chr16:2,048,580, T>G. VCF-style: chr16-2048580-T-G. GRCh37 (hg19) VCF-style: chr16-2098581-T-G.
Other names: c.-29-7T>G (NM_001114382.3, NM_021055.3, NM_001370405.1 and 4 more transcripts); c.-255-7T>G (NM_001318831.2); c.-10+515T>G (NM_001318829.2); c.5-7T>G (NM_001318832.2).
Identifiers: ClinVar variation 1709570 (VCV001709570.2), dbSNP rs1567379910, ClinGen allele CA2201991141.